The following is an entry in ClinVar:

NM_002471.4(MYH6):c.1165A>G (p.Met389Val)

Gene: MYH6 (myosin heavy chain 6; minus strand). Cytogenetic location: 14q11.2.
Variant type: single nucleotide variant.
Coding change: c.1165A>G on transcript NM_002471.4 (MANE Select); coding-DNA position 1165, A replaced by G.
Protein change: p.Met389Val; replaces methionine 389 with valine.
Molecular consequence: missense variant.
Genome position (GRCh38, 1-based): chr14:23,400,954, T>C on the plus strand (A>G on the coding strand, the complement: MYH6 is on the minus strand). VCF-style: chr14-23400954-T-C. GRCh37 (hg19) VCF-style: chr14-23870163-T-C.
Other names: short protein forms M389V.
Identifiers: ClinVar variation 3252246 (VCV003252246.2), dbSNP rs2502193716.
Genomic context (GRCh38, chr14:23,400,954, plus strand): 5'-TGCCCACTTTCACCCGAGGGTGGCACAGCCCCTTGAGCAGGTCAGCTGAGTTCAGCCCCA[T>C]GAGGTAGGCCGACTTGTCAGCATCTGGTTGAGAGGGAAAGGATAAGTGAGCACTTCCTTT-3'
Protein context (NP_002462.2, residues 379-399): TEDADKSAYL[Met389Val]GLNSADLLKG

ClinVar aggregate classification (germline): Uncertain significance. Review status: criteria provided, multiple submitters, no conflicts (2 of 4 stars). 2 submissions from 2 submitters: Uncertain significance (2). Last evaluated 2025-10-19.

Conditions:
Hypertrophic cardiomyopathy 14. Identifiers: MedGen C2750467, MONDO:0013197, OMIM 613251.

Allele frequency attached by ClinVar (database versions not stated): gnomAD exomes below 0.00001.
gnomAD v4.1: 2 of 1,613,788 alleles (0.00012%); highest among the groups gnomAD compares: South Asian, 0.0011%; no homozygotes.

Submissions (2):

Labcorp Genetics (formerly Invitae), Labcorp
Classification: Uncertain significance for Hypertrophic cardiomyopathy 14. Last evaluated: 2025-10-19. Review status: criteria provided, single submitter. Criteria: Invitae Variant Classification Sherloc (09022015). Collection method: clinical testing. Allele origin: germline.
Comment: This sequence change replaces methionine, which is neutral and non-polar, with valine, which is neutral and non-polar, at codon 389 of the MYH6 protein (p.Met389Val). This variant is not present in population databases (gnomAD no frequency). This variant has not been reported in the literature in individuals affected with MYH6-related conditions. ClinVar contains an entry for this variant (Variation ID: 3252246). Invitae Evidence Modeling of protein sequence and biophysical properties (such as structural, functional, and spatial information, amino acid conservation, physicochemical variation, residue mobility, and thermodynamic stability) indicates that this missense variant is expected to disrupt MYH6 protein function with a positive predictive value of 80%. In summary, the available evidence is currently insufficient to determine the role of this variant in disease. Therefore, it has been classified as a Variant of Uncertain Significance.

GeneDx
Classification: Uncertain significance. Last evaluated: 2023-08-04. Review status: criteria provided, single submitter. Criteria: GeneDx Variant Classification Process June 2021. Collection method: clinical testing. Allele origin: germline. Affected: yes.
Comment: Not observed at significant frequency in large population cohorts (gnomAD); In silico analysis supports that this missense variant has a deleterious effect on protein structure/function; Has not been previously published as pathogenic or benign to our knowledge